The following is an entry in ClinVar:

NM_000059.4(BRCA2):c.2669T>G (p.Phe890Cys)

Gene: BRCA2 (BRCA2 DNA repair associated; plus strand). Cytogenetic location: 13q13.1.
Variant type: single nucleotide variant.
Coding change: c.2669T>G on transcript NM_000059.4 (MANE Select); coding-DNA position 2669, T replaced by G.
Protein change: p.Phe890Cys; replaces phenylalanine 890 with cysteine.
Molecular consequence: missense variant.
Genome position (GRCh38, 1-based): chr13:32,337,024, T>G. VCF-style: chr13-32337024-T-G. GRCh37 (hg19) VCF-style: chr13-32911161-T-G.
Other names: c.2669T>G, p.Phe890Cys (NM_001406719.1, NM_001406720.1); short protein forms F890C.
Identifiers: ClinVar variation 1794528 (VCV001794528.5), dbSNP rs2548524461, ClinGen allele CA387773379.

ClinVar aggregate classification (germline): Conflicting classifications of pathogenicity. Review status: criteria provided, conflicting classifications (1 of 4 stars). 2 submissions from 2 submitters: Uncertain significance (1); Likely benign (1). Last evaluated 2025-04-25.

Conditions:
Hereditary cancer-predisposing syndrome. Also called: Tumor predisposition; Hereditary Cancer Syndrome; Neoplastic Syndromes, Hereditary; Hereditary neoplastic syndrome. Identifiers: Orphanet 140162, MedGen C0027672, MeSH D009386, MONDO:0015356.

Submissions (2):

Ambry Genetics
Classification: Uncertain significance for Hereditary cancer-predisposing syndrome. Last evaluated: 2025-04-25. Review status: criteria provided, single submitter. Criteria: Ambry Variant Classification Scheme 2023. Collection method: clinical testing. Allele origin: germline.

University of Washington Department of Laboratory Medicine, University of Washington
Classification: Likely benign for Hereditary cancer-predisposing syndrome. Last evaluated: 2023-03-23. Review status: criteria provided, single submitter. Criteria: Dines et al. (Genet Med. 2020). Collection method: curation. Allele origin: germline.
Comment: Missense variant in a coldspot region where missense variants are very unlikely to be pathogenic (PMID:31911673).

BRCA2 exon 11 coldspot. Reclassification based on statistical prior probability.